The following is an entry in ClinVar:

NM_014263.4(YME1L1):c.168+1379C>T

Gene: YME1L1 (YME1 like 1 ATPase; minus strand). Cytogenetic location: 10p12.1.
Variant type: single nucleotide variant.
Coding change: c.168+1379C>T on transcript NM_014263.4 (MANE Select); 1379 bases into the intron after coding-DNA position 168, C replaced by T.
Molecular consequence: intron variant. On other transcripts: missense variant (1).
Genome position (GRCh38, 1-based): chr10:27,147,527, G>A on the plus strand (C>T on the coding strand, the complement: YME1L1 is on the minus strand). VCF-style: chr10-27147527-G-A. GRCh37 (hg19) VCF-style: chr10-27436456-G-A.
Other names: c.310C>T, p.Arg104Cys (NM_139312.3); c.168+1379C>T (NM_001253866.2); short protein forms R104C.
Identifiers: ClinVar variation 2162081 (VCV002162081.4), dbSNP rs369706082, ClinGen allele CA5449710.

ClinVar aggregate classification (germline): Uncertain significance (1 of 4 stars; one submission).

Allele frequency attached by ClinVar (database versions not stated): gnomAD 0.00001; TOPMed 0.00002; ESP Exome Variant Server 0.00008.
gnomAD v4.1: 35 of 1,607,594 alleles (0.0022%); highest among the groups gnomAD compares: Non-Finnish European, 0.0026%; no homozygotes.

Submission:

Labcorp Genetics (formerly Invitae), Labcorp
Classification: Uncertain significance. Last evaluated: 2022-07-01. Review status: criteria provided, single submitter. Criteria: Invitae Variant Classification Sherloc (09022015). Collection method: clinical testing. Allele origin: germline.
Comment: This sequence change replaces arginine, which is basic and polar, with cysteine, which is neutral and slightly polar, at codon 104 of the YME1L1 protein (p.Arg104Cys). This variant is not present in population databases (gnomAD no frequency). This variant has not been reported in the literature in individuals affected with YME1L1-related conditions. Algorithms developed to predict the effect of missense changes on protein structure and function are either unavailable or do not agree on the potential impact of this missense change (SIFT: "Deleterious"; PolyPhen-2: "Benign"; Align-GVGD: "Class C0"). In summary, the available evidence is currently insufficient to determine the role of this variant in disease. Therefore, it has been classified as a Variant of Uncertain Significance.